The following is an entry in ClinVar:

NM_003803.4(MYOM1):c.218C>T (p.Ala73Val)

Gene: MYOM1 (myomesin 1; minus strand). Cytogenetic location: 18p11.31.
Variant type: single nucleotide variant.
Coding change: c.218C>T on transcript NM_003803.4 (MANE Select); coding-DNA position 218, C replaced by T.
Protein change: p.Ala73Val; replaces alanine 73 with valine.
Molecular consequence: missense variant.
Genome position (GRCh38, 1-based): chr18:3,215,006, G>A on the plus strand (C>T on the coding strand, the complement: MYOM1 is on the minus strand). VCF-style: chr18-3215006-G-A. GRCh37 (hg19) VCF-style: chr18-3215004-G-A.
Other names: c.218C>T, p.Ala73Val (NM_019856.2); short protein forms A73V.
Identifiers: ClinVar variation 4767053 (VCV004767053.1).

ClinVar aggregate classification (germline): Uncertain significance (1 of 4 stars; one submission).

Conditions:
Hypertrophic cardiomyopathy. Also called: HYPERTROPHIC MYOCARDIOPATHY. Identifiers: Orphanet 217569, MedGen C0007194, MeSH D002312, MONDO:0005045, HP:0001639.

gnomAD v4.1: 4 of 1,612,058 alleles (0.00025%); highest among the groups gnomAD compares: South Asian, 0.0011%; no homozygotes.

Submission:

Labcorp Genetics (formerly Invitae), Labcorp
Classification: Uncertain significance for Hypertrophic cardiomyopathy. Last evaluated: 2025-12-31. Review status: criteria provided, single submitter. Criteria: Invitae Variant Classification Sherloc (09022015). Collection method: clinical testing. Allele origin: germline.
Comment: This sequence change replaces alanine, which is neutral and non-polar, with valine, which is neutral and non-polar, at codon 73 of the MYOM1 protein (p.Ala73Val). This variant is not present in population databases (gnomAD no frequency). This variant has not been reported in the literature in individuals affected with MYOM1-related conditions. An algorithm developed to predict the effect of missense changes on protein structure and function (PolyPhen-2) suggests that this variant is likely to be tolerated. In summary, the available evidence is currently insufficient to determine the role of this variant in disease. Therefore, it has been classified as a Variant of Uncertain Significance.